The following is an entry in ClinVar:

ClinVar aggregate classification (germline): Uncertain significance (1 of 4 stars; one submission).

Conditions:
Perlman syndrome (PRLMNS). Identifiers: Orphanet 2849, MedGen C0796113, MONDO:0009965, OMIM 267000.

Allele frequency attached by ClinVar (database versions not stated): gnomAD exomes below 0.00001.
gnomAD v4.1: 3 of 1,613,932 alleles (0.00019%); highest among the groups gnomAD compares: Non-Finnish European, 0.00025%; no homozygotes.

Submission:

Labcorp Genetics (formerly Invitae), Labcorp
Classification: Uncertain significance for Perlman syndrome. Last evaluated: 2026-01-23. Review status: criteria provided, single submitter. Criteria: Invitae Variant Classification Sherloc (09022015). Collection method: clinical testing. Allele origin: germline.
Comment: This sequence change replaces valine, which is neutral and non-polar, with alanine, which is neutral and non-polar, at codon 195 of the DIS3L2 protein (p.Val195Ala). This variant is not present in population databases (gnomAD no frequency). This variant has not been reported in the literature in individuals affected with DIS3L2-related conditions. ClinVar contains an entry for this variant (Variation ID: 1037782). An algorithm developed to predict the effect of missense changes on protein structure and function (PolyPhen-2) suggests that this variant is likely to be tolerated. In summary, the available evidence is currently insufficient to determine the role of this variant in disease. Therefore, it has been classified as a Variant of Uncertain Significance.

NM_152383.5(DIS3L2):c.584T>C (p.Val195Ala)

Gene: DIS3L2 (DIS3 like 3'-5' exoribonuclease 2; plus strand). Cytogenetic location: 2q37.1.
Variant type: single nucleotide variant.
Coding change: c.584T>C on transcript NM_152383.5 (MANE Select); coding-DNA position 584, T replaced by C.
Protein change: p.Val195Ala; replaces valine 195 with alanine.
Molecular consequence: missense variant. On other transcripts: non-coding transcript variant (2).
Genome position (GRCh38, 1-based): chr2:232,087,704, T>C. VCF-style: chr2-232087704-T-C. GRCh37 (hg19) VCF-style: chr2-232952414-T-C.
Other names: c.584T>C, p.Val195Ala (NM_001257281.2, NM_001257282.2); short protein forms V195A.
Identifiers: ClinVar variation 1037782 (VCV001037782.6), dbSNP rs1696706340, ClinGen allele CA351155300.